The following is an entry in ClinVar:

NM_152701.5(ABCA13):c.6753G>A (p.Arg2251=)

Gene: ABCA13 (ATP binding cassette subfamily A member 13; plus strand). Cytogenetic location: 7p12.3.
Variant type: single nucleotide variant.
Coding change: c.6753G>A on transcript NM_152701.5 (MANE Select); coding-DNA position 6753, G replaced by A.
Protein change: p.Arg2251=; no amino-acid change (arginine 2251 retained).
Molecular consequence: synonymous variant.
Genome position (GRCh38, 1-based): chr7:48,276,419, G>A. VCF-style: chr7-48276419-G-A. GRCh37 (hg19) VCF-style: chr7-48316016-G-A.
Identifiers: ClinVar variation 2657474 (VCV002657474.24), dbSNP rs2535317700, ClinGen allele CA455159216.

ClinVar aggregate classification (germline): Likely benign (1 of 4 stars; one submission).

Submission:

CeGaT Center for Human Genetics Tuebingen
Classification: Likely benign. Last evaluated: 2023-01-01. Review status: criteria provided, single submitter. Criteria: CeGaT Center For Human Genetics Tuebingen Variant Classification Criteria Version 2. Collection method: clinical testing. Allele origin: germline. Affected: yes. Observed: 1 variant allele.
Comment: ABCA13: BP4, BP7